The following is an entry in ClinVar:

NM_014467.3(SRPX2):c.-37A>G

Gene: SRPX2 (sushi repeat containing protein X-linked 2; plus strand). Cytogenetic location: Xq22.1.
Variant type: single nucleotide variant.
Coding change: c.-37A>G on transcript NM_014467.3 (MANE Select); 37 bases upstream of the start codon, A replaced by G.
Molecular consequence: 5 prime UTR variant.
Genome position (GRCh38, 1-based): chrX:100,646,286, A>G. VCF-style: chrX-100646286-A-G. GRCh37 (hg19) VCF-style: chrX-99901283-A-G.
Identifiers: ClinVar variation 207385 (VCV000207385.1), dbSNP rs796053341, ClinGen allele CA318797.

ClinVar aggregate classification (germline): Likely benign (1 of 4 stars; one submission).

Allele frequency attached by ClinVar (database versions not stated): gnomAD exomes below 0.00001; TOPMed 0.00001; gnomAD 0.00002.

Submission:

GeneDx
Classification: Likely benign. Last evaluated: 2013-10-10. Review status: criteria provided, single submitter. Criteria: GeneDx Variant Classification (06012015). Collection method: clinical testing. Allele origin: germline. Affected: yes.
Comment: This variant is considered likely benign or benign based on one or more of the following criteria: it is a conservative change, it occurs at a poorly conserved position in the protein, it is predicted to be benign by multiple in silico algorithms, and/or has population frequency not consistent with disease.